The following is an entry in ClinVar:

ClinVar aggregate classification (germline): Uncertain significance (1 of 4 stars; one submission).

Conditions:
Severe combined immunodeficiency due to DNA-PKcs deficiency. Also called: IMMUNODEFICIENCY 26 WITH NEUROLOGIC ABNORMALITIES; Immunodeficiency 26 with or without neurologic abnormalities. Identifiers: Orphanet 317425, MedGen C4014833, MONDO:0014423, OMIM 615966.

Submission:

Labcorp Genetics (formerly Invitae), Labcorp
Classification: Uncertain significance for Severe combined immunodeficiency due to DNA-PKcs deficiency. Last evaluated: 2023-07-10. Review status: criteria provided, single submitter. Criteria: Invitae Variant Classification Sherloc (09022015). Collection method: clinical testing. Allele origin: germline.
Comment: This sequence change replaces valine, which is neutral and non-polar, with aspartic acid, which is acidic and polar, at codon 1211 of the PRKDC protein (p.Val1211Asp). This variant is not present in population databases (gnomAD no frequency). In summary, the available evidence is currently insufficient to determine the role of this variant in disease. Therefore, it has been classified as a Variant of Uncertain Significance. Advanced modeling of protein sequence and biophysical properties (such as structural, functional, and spatial information, amino acid conservation, physicochemical variation, residue mobility, and thermodynamic stability) performed at Invitae indicates that this missense variant is expected to disrupt PRKDC protein function. ClinVar contains an entry for this variant (Variation ID: 1037855). This variant has not been reported in the literature in individuals affected with PRKDC-related conditions.

NM_006904.7(PRKDC):c.3632T>A (p.Val1211Asp)

Gene: PRKDC (protein kinase, DNA-activated, catalytic subunit; minus strand). Cytogenetic location: 8q11.21.
Variant type: single nucleotide variant.
Coding change: c.3632T>A on transcript NM_006904.7 (MANE Select); coding-DNA position 3632, T replaced by A.
Protein change: p.Val1211Asp; replaces valine 1211 with aspartic acid.
Molecular consequence: missense variant.
Genome position (GRCh38, 1-based): chr8:47,893,354, A>T on the plus strand (T>A on the coding strand, the complement: PRKDC is on the minus strand). VCF-style: chr8-47893354-A-T. GRCh37 (hg19) VCF-style: chr8-48805914-A-T.
Other names: c.3632T>A (NM_006904.6); c.3632T>A, p.Val1211Asp (NM_001081640.2); short protein forms V1211D.
Identifiers: ClinVar variation 1037855 (VCV001037855.8), dbSNP rs2089506122, ClinGen allele CA371151137.